The following is an entry in ClinVar:

ClinVar aggregate classification (germline): Uncertain significance. Review status: criteria provided, multiple submitters, no conflicts (2 of 4 stars). 2 submissions from 2 submitters: Uncertain significance (2). Last evaluated 2022-12-21.

Conditions:
Inborn genetic diseases. Identifiers: MedGen C0950123, MeSH D030342.

Allele frequency attached by ClinVar (database versions not stated): gnomAD exomes below 0.00001 and 0.00001; ExAC 0.00001; TOPMed 0.00001; gnomAD 0.00002.
gnomAD v4.1: 4 of 1,209,247 alleles (0.00033%); highest among the groups gnomAD compares: African/African-American, 0.0018%; no homozygotes.

Submissions (2):

Ambry Genetics
Classification: Uncertain significance for Inborn genetic diseases. Last evaluated: 2022-12-21. Review status: criteria provided, single submitter. Criteria: Ambry Variant Classification Scheme 2023. Collection method: clinical testing. Allele origin: germline.

GeneDx
Classification: Uncertain significance. Last evaluated: 2018-05-07. Review status: criteria provided, single submitter. Criteria: GeneDx Variant Classification (06012015). Collection method: clinical testing. Allele origin: germline. Affected: yes.
Comment: The R1144Q variant in the USP9X gene has not been reported previously as a pathogenic variant, nor as a benign variant, to our knowledge. The R1144Q variant is not observed in large population cohorts (Lek et al., 2016; 1000 Genomes Consortium et al., 2015; Exome Variant Server). The R1144Q variant is a semi-conservative amino acid substitution, which occurs at a position that is conserved across species. In silico analysis is inconsistent in its predictions as to whether or not the variant is damaging to the protein structure/function. We interpret R1144Q as a variant of uncertain significance

NM_001039591.3(USP9X):c.3431G>A (p.Arg1144Gln)

Gene: USP9X (ubiquitin specific peptidase 9 X-linked; plus strand). Cytogenetic location: Xp11.4.
Variant type: single nucleotide variant.
Coding change: c.3431G>A on transcript NM_001039591.3 (MANE Select); coding-DNA position 3431, G replaced by A.
Protein change: p.Arg1144Gln; replaces arginine 1144 with glutamine.
Molecular consequence: missense variant.
Genome position (GRCh38, 1-based): chrX:41,184,548, G>A. VCF-style: chrX-41184548-G-A. GRCh37 (hg19) VCF-style: chrX-41043801-G-A.
Other names: c.3431G>A, p.Arg1144Gln (NM_001039590.3); short protein forms R1144Q.
Identifiers: ClinVar variation 423198 (VCV000423198.4), dbSNP rs747545589, ClinGen allele CA10388708.